The following is an entry in ClinVar:

NM_201253.3(CRB1):c.1439G>C (p.Cys480Ser)

Gene: CRB1 (crumbs cell polarity complex component 1; plus strand). Cytogenetic location: 1q31.3.
Variant type: single nucleotide variant.
Coding change: c.1439G>C on transcript NM_201253.3 (MANE Select); coding-DNA position 1439, G replaced by C.
Protein change: p.Cys480Ser; replaces cysteine 480 with serine.
Molecular consequence: missense variant. On other transcripts: non-coding transcript variant (2).
Genome position (GRCh38, 1-based): chr1:197,421,267, G>C. VCF-style: chr1-197421267-G-C. GRCh37 (hg19) VCF-style: chr1-197390397-G-C.
Other names: c.1103G>C, p.Cys368Ser (NM_001193640.2); c.1232G>C, p.Cys411Ser (NM_001257965.2); c.1439G>C, p.Cys480Ser (NM_001257966.2); c.1439G>C (NM_201253.2); short protein forms C368S, C411S, C480S.
Identifiers: ClinVar variation 1067463 (VCV001067463.9), dbSNP rs62636265, ClinGen allele CA344030908.
Genomic context (GRCh38, chr1:197,421,267, plus strand): 5'-TCCAAGATGGCCAGCATGGATTCAGCTGCCTATGTCCATCTGGCTACACCGGGTCCCTGT[G>C]TGAAATCGCAACCACACTTTCATTTGAGGGCGATGGCTTCCTGTGGGTCAAAAGTGGCTC-3'
Protein context (NP_957705.1, residues 470-490): LCPSGYTGSL[Cys480Ser]EIATTLSFEG

ClinVar aggregate classification (germline): Pathogenic/Likely pathogenic. Review status: criteria provided, multiple submitters, no conflicts (2 of 4 stars). 3 submissions from 3 submitters: Pathogenic (2); Likely pathogenic (1). Last evaluated 2024-03-25.

Conditions:
Retinitis pigmentosa 12 (RP12). Also called: RP WITH OR WITHOUT PPRPE; RP WITH OR WITHOUT PRESERVED PARAARTERIOLE RETINAL PIGMENT EPITHELIUM; RETINITIS PIGMENTOSA WITH OR WITHOUT PARAARTERIOLAR PRESERVATION OF RETINAL PIGMENT EPITHELIUM. Identifiers: Orphanet 791, MedGen C1838647, MONDO:0010818, OMIM 600105.
Leber congenital amaurosis 8 (LCA8). Identifiers: Orphanet 65, MedGen C3151202, MONDO:0013453, OMIM 613835.
CRB1-related disorder. Also called: CRB1-related condition; CRB1-related disorders.

Allele frequency attached by ClinVar (database versions not stated): gnomAD exomes 0.00001; gnomAD 0.00002; TOPMed 0.00002.
gnomAD v4.1: 9 of 1,614,064 alleles (0.00056%); highest among the groups gnomAD compares: Admixed American, 0.0017%; no homozygotes.

Submissions (3):

Labcorp Genetics (formerly Invitae), Labcorp
Classification: Pathogenic for Leber congenital amaurosis 8; Retinitis pigmentosa 12. Last evaluated: 2024-03-25. Review status: criteria provided, single submitter. Criteria: Invitae Variant Classification Sherloc (09022015). Collection method: clinical testing. Allele origin: germline.
Comment: This sequence change replaces cysteine, which is neutral and slightly polar, with serine, which is neutral and polar, at codon 480 of the CRB1 protein (p.Cys480Ser). This variant is present in population databases (no rsID available, gnomAD 0.002%). This missense change has been observed in individuals with Leber congenital amaurosis or retinitis pigmentosa (PMID: 23847139; Invitae). ClinVar contains an entry for this variant (Variation ID: 1067463). Advanced modeling of protein sequence and biophysical properties (such as structural, functional, and spatial information, amino acid conservation, physicochemical variation, residue mobility, and thermodynamic stability) performed at Invitae indicates that this missense variant is expected to disrupt CRB1 protein function with a positive predictive value of 80%. This variant disrupts the p.Cys480 amino acid residue in CRB1. Other variant(s) that disrupt this residue have been determined to be pathogenic (PMID: 11231775, 21757580, 23847139). This suggests that this residue is clinically significant, and that variants that disrupt this residue are likely to be disease-causing. For these reasons, this variant has been classified as Pathogenic.

Victorian Clinical Genetics Services, Murdoch Childrens Research Institute
Classification: Likely pathogenic for Retinitis pigmentosa 12. Last evaluated: 2021-05-06. Review status: criteria provided, single submitter. Criteria: ACMG Guidelines, 2015. Collection method: clinical testing. Allele origin: germline.
Comment: Based on the classification scheme VCGS_Germline_v1.3.4, this variant is classified as likely pathogenic. Following criteria are met: 0102 - Loss of function is a known mechanism of disease in this gene and is associated with Leber congenital amaurosis (MIM#8613835), retinitis pigmentosa (MIM#12600105) and pigmented paravenous chorioretinal atrophy (MIM#172870). (I) 0108 - This gene is associated with both recessive and dominant disease. This gene is associated with with autosomal recessive Leber congenital amaurosis (MIM#8613835) and retinitis pigmentosa (MIM#12600105) and autosomal dominant pigmented paravenous chorioretinal atrophy (MIM#172870) although the latter has only been associated with one variant (p.V162M; PMID: 15623792). (I) 0115 - Variants in this gene are known to have variable expressivity. Variants in this gene are associated with variable disease onset and severity (PMIDs: 31884620, 32922261). (I) 0200 - Variant is predicted to result in a missense amino acid change from cysteine to serine. (I) 0251 - This variant is heterozygous. (I) 0302 - Variant is present in gnomAD (v3) <0.001 for a dominant condition (3 heterozygotes, 0 homozygotes). (SP) 0309 - An alternative amino acid change at the same position has been observed in gnomAD (v3) (10 heterozygotes, 0 homozygotes). (I) 0501 - Missense variant consistently predicted to be damaging by multiple in silico tools or highly conserved with a major amino acid change. (SP) 0601 - Variant is located in the functional calcium-binding EGF-like domain (NCBI conserved domain). Cysteine residues in the EGF-like domain are highly conserved and are involved in disulfide bond formation (PMIDs: 15459956, 22065545, 23449718). (SP) 0702 - Other missense variants comparable to the one identified in this case have strong previous evidence for pathogenicity. The p.C480R missense variant has been reported as compound heterozygous in individuals with Leber congenital amaurosis (LCA) and retinitis pigmentosa while the p.C480G missense variant has been reported as homozygous in one individual with LCA (ClinVar, PMIDs: 23847139, 31049658, 11231775). (SP) 0803 - This variant has limited previous evidence of pathogenicity in an unrelated individual. This variant has been reported as homozygous in one individual with LCA (PMID: 23847139). (SP) 0905 - No published segregation evidence has been identified for this variant. (I) 1007 - No published functional evidence has been identified for this variant. (I) Legend: (SP) - Supporting pathogenic, (I) - Information, (SB) - Supporting benign

Blueprint Genetics
Classification: Pathogenic for CRB1-related disorders. Last evaluated: 2019-09-25. Review status: criteria provided, single submitter. Criteria: ACMG Guidelines, 2015. Collection method: clinical testing. Allele origin: germline. Affected: yes. Observed: 5 variant alleles.

Literature cited by the submitters: PubMed 23847139 (cited by Labcorp Genetics (formerly Invitae), Labcorp and Victorian Clinical Genetics Services, Murdoch Childrens Research Institute); PubMed 11231775 (cited by Labcorp Genetics (formerly Invitae), Labcorp and Victorian Clinical Genetics Services, Murdoch Childrens Research Institute); PubMed 21757580 (cited by Labcorp Genetics (formerly Invitae), Labcorp); PubMed 15459956 (cited by Victorian Clinical Genetics Services, Murdoch Childrens Research Institute); PubMed 15623792 (cited by Victorian Clinical Genetics Services, Murdoch Childrens Research Institute); PubMed 22065545 (cited by Victorian Clinical Genetics Services, Murdoch Childrens Research Institute); PubMed 23449718 (cited by Victorian Clinical Genetics Services, Murdoch Childrens Research Institute); PubMed 31049658 (cited by Victorian Clinical Genetics Services, Murdoch Childrens Research Institute); PubMed 31884620 (cited by Victorian Clinical Genetics Services, Murdoch Childrens Research Institute); PubMed 32922261 (cited by Victorian Clinical Genetics Services, Murdoch Childrens Research Institute).